The following is an entry in ClinVar:

NM_001005337.3(PKP1):c.*683A>G

Gene: PKP1 (plakophilin 1; plus strand). Cytogenetic location: 1q32.1.
Variant type: single nucleotide variant.
Coding change: c.*683A>G on transcript NM_001005337.3 (MANE Select); 683 bases downstream of the stop codon, A replaced by G.
Molecular consequence: 3 prime UTR variant.
Genome position (GRCh38, 1-based): chr1:201,330,724, A>G. VCF-style: chr1-201330724-A-G. GRCh37 (hg19) VCF-style: chr1-201299852-A-G.
Other names: c.*683A>G (NM_000299.4).
Identifiers: ClinVar variation 294851 (VCV000294851.6), dbSNP rs1105331, ClinGen allele CA10608788.

ClinVar aggregate classification (germline): Benign. Review status: criteria provided, multiple submitters, no conflicts (2 of 4 stars). 2 submissions from 2 submitters: Benign (2). Last evaluated 2018-01-13.

Conditions:
Epidermolysis bullosa simplex due to plakophilin deficiency. Also called: MCGRATH SYNDROME. Identifiers: Orphanet 158668, MedGen C1858302, MONDO:0011472, OMIM 604536.

Allele frequency attached by ClinVar (database versions not stated): 1000 Genomes Project 30x 0.61587; TOPMed 0.62317; gnomAD 0.62704 and 0.63685; 1000 Genomes Project 0.62740; gnomAD exomes 0.70690.

Submissions (2):

Illumina Laboratory Services, Illumina
Classification: Benign for Epidermolysis bullosa simplex due to plakophilin deficiency. Last evaluated: 2018-01-13. Review status: criteria provided, single submitter. Criteria: ICSL Variant Classification Criteria 13 December 2019. Collection method: clinical testing. Allele origin: germline.
Comment: This variant was observed in the ICSL laboratory as part of a predisposition screen in an ostensibly healthy population. It had not been previously curated by ICSL or reported in the Human Gene Mutation Database (HGMD: prior to June 1st, 2018), and was therefore a candidate for classification through an automated scoring system. Utilizing variant allele frequency, disease prevalence and penetrance estimates, and inheritance mode, an automated score was calculated to assess if this variant is too frequent to cause the disease. Based on the score and internal cut-off values, a variant classified as benign is not then subjected to further curation. The score for this variant resulted in a classification of benign for this disease.

Breakthrough Genomics
Classification: Benign. Review status: criteria provided, single submitter. Criteria: ACMG Guidelines, 2015. Collection method: not provided. Allele origin: germline. Inheritance: Autosomal recessive inheritance. Affected: yes.